The following is an entry in ClinVar:

NM_000059.4(BRCA2):c.2735C>T (p.Thr912Ile)

Gene: BRCA2 (BRCA2 DNA repair associated; plus strand). Cytogenetic location: 13q13.1.
Variant type: single nucleotide variant.
Coding change: c.2735C>T on transcript NM_000059.4 (MANE Select); coding-DNA position 2735, C replaced by T.
Protein change: p.Thr912Ile; replaces threonine 912 with isoleucine.
Molecular consequence: missense variant.
Genome position (GRCh38, 1-based): chr13:32,337,090, C>T. VCF-style: chr13-32337090-C-T. GRCh37 (hg19) VCF-style: chr13-32911227-C-T.
Other names: T939I; short protein forms T912I.
Identifiers: ClinVar variation 51333 (VCV000051333.9), dbSNP rs276174828, ClinGen allele CA016183.
Genomic context (GRCh38, chr13:32,337,090, plus strand): 5'-TCCAAGTAGCTAATGAAAGGAATAATCTTGCTTTAGGAAATACTAAGGAACTTCATGAAA[C>T]AGACTTGACTTGTGTAAACGAACCCATTTTCAAGAACTCTACCATGGTTTTATATGGAGA-3'
Protein context (NP_000050.3, residues 902-922): ALGNTKELHE[Thr912Ile]DLTCVNEPIF

ClinVar aggregate classification (germline): Conflicting classifications of pathogenicity. Review status: criteria provided, conflicting classifications (1 of 4 stars). 4 submissions from 4 submitters: Uncertain significance (2); Likely benign (1). 1 of the submissions does not count toward it. Last evaluated 2024-03-23.

Conditions:
Hereditary breast ovarian cancer syndrome. Also called: Hereditary breast and ovarian cancer syndrome; Hereditary breast and ovarian cancer; Hereditary breast and ovarian cancer syndrome (HBOC); Breast and ovarian cancer; Hereditary breast and/or ovarian cancer syndrome; BRCA1- and BRCA2-Associated Hereditary Breast and Ovarian Cancer. Identifiers: Orphanet 145, MedGen C0677776, MeSH D061325, MONDO:0003582. Disease mechanism: loss of function.
Breast-ovarian cancer, familial, susceptibility to, 2 (BROVCA2). Also called: BRCA2 Hereditary Breast and Ovarian Cancer. Identifiers: Orphanet 145, MedGen C2675520, MONDO:0012933, OMIM 612555. Disease mechanism: loss of function.
Hereditary cancer-predisposing syndrome. Also called: Neoplastic Syndromes, Hereditary; Tumor predisposition; Hereditary Cancer Syndrome; Hereditary neoplastic syndrome. Identifiers: Orphanet 140162, MedGen C0027672, MeSH D009386, MONDO:0015356.

Submissions (4):

Labcorp Genetics (formerly Invitae), Labcorp
Classification: Uncertain significance for Hereditary breast ovarian cancer syndrome. Last evaluated: 2024-03-23. Review status: criteria provided, single submitter. Criteria: Invitae Variant Classification Sherloc (09022015). Collection method: clinical testing. Allele origin: germline.
Comment: This sequence change replaces threonine, which is neutral and polar, with isoleucine, which is neutral and non-polar, at codon 912 of the BRCA2 protein (p.Thr912Ile). This variant is not present in population databases (gnomAD no frequency). This variant has not been reported in the literature in individuals affected with BRCA2-related conditions. ClinVar contains an entry for this variant (Variation ID: 51333). Advanced modeling of protein sequence and biophysical properties (such as structural, functional, and spatial information, amino acid conservation, physicochemical variation, residue mobility, and thermodynamic stability) performed at Invitae indicates that this missense variant is not expected to disrupt BRCA2 protein function with a negative predictive value of 95%. In summary, the available evidence is currently insufficient to determine the role of this variant in disease. Therefore, it has been classified as a Variant of Uncertain Significance.

University of Washington Department of Laboratory Medicine, University of Washington
Classification: Likely benign for Hereditary cancer-predisposing syndrome. Last evaluated: 2023-03-23. Review status: criteria provided, single submitter. Criteria: Dines et al. (Genet Med. 2020). Collection method: curation. Allele origin: germline.
Comment: Missense variant in a coldspot region where missense variants are very unlikely to be pathogenic (PMID:31911673).

BRCA2 exon 11 coldspot. Reclassification based on statistical prior probability.

Ambry Genetics
Classification: Uncertain significance for Hereditary cancer-predisposing syndrome. Last evaluated: 2015-12-29. Review status: criteria provided, single submitter. Criteria: Ambry Variant Classification Scheme 2023. Collection method: clinical testing. Allele origin: germline.
Comment: The p.T912I variant (also known as c.2735C>T and 2963C>T), located in coding exon 10 of the BRCA2 gene, results from a C to T substitution at nucleotide position 2735. The threonine at codon 912 is replaced by isoleucine, an amino acid with similar properties. This variant was previously reported in the SNPDatabase as rs276174828. This variant was not reported in population-based cohorts in the following databases: NHLBI Exome Sequencing Project (ESP) and 1000 Genomes Project. To date, this alteration has been detected with an allele frequency of approximately 0.001% (greater than 225000 alleles tested) in our clinical cohort. This amino acid position is poorly conserved in available vertebrate species. In addition, this alteration is predicted to be tolerated by in silico analysis. Since supporting evidence is limited at this time, the clinical significance of p.T912I remains unclear.

Breast Cancer Information Core (BIC) (BRCA2)
Classification: Uncertain significance for Breast-ovarian cancer, familial 2. Last evaluated: 2011-03-02. Review status: no assertion criteria provided. Collection method: clinical testing. Allele origin: germline. Affected: yes. Observed: 1 variant allele. Not counted in ClinVar's aggregate classification.